The following is an entry in ClinVar:

ClinVar aggregate classification (germline): Likely benign. Review status: criteria provided, multiple submitters, no conflicts (2 of 4 stars). 3 submissions from 3 submitters: Likely benign (3). Last evaluated 2023-10-08.

Conditions:
Aneurysm-osteoarthritis syndrome. Also called: Loeys-Dietz syndrome, type 1C; LOEYS-DIETZ SYNDROME WITH OSTEOARTHRITIS; SMAD3-Related Loeys-Dietz Syndrome; ANEURYSMS-OSTEOARTHRITIS SYNDROME. Identifiers: Orphanet 284984, MedGen C3151087, MONDO:0013426, OMIM 613795.
Familial thoracic aortic aneurysm and aortic dissection (TAAD). Also called: Thoracic aortic aneurysms and dissections. Identifiers: Orphanet 91387, MedGen C4707243, MONDO:0019625.

Allele frequency attached by ClinVar (database versions not stated): gnomAD 0.00001; gnomAD exomes 0.00001 and 0.00002; ExAC 0.00002.
gnomAD v4.1: 34 of 1,613,500 alleles (0.0021%); highest among the groups gnomAD compares: Non-Finnish European, 0.0027%; no homozygotes.

Submissions (3):

Labcorp Genetics (formerly Invitae), Labcorp
Classification: Likely benign for Familial thoracic aortic aneurysm and aortic dissection. Last evaluated: 2023-10-08. Review status: criteria provided, single submitter. Criteria: Invitae Variant Classification Sherloc (09022015). Collection method: clinical testing. Allele origin: germline.

All of Us Research Program, National Institutes of Health
Classification: Likely benign for Aneurysm-osteoarthritis syndrome. Last evaluated: 2023-03-28. Review status: criteria provided, single submitter. Criteria: ACMG Guidelines, 2015. Collection method: clinical testing. Allele origin: germline. Inheritance: Autosomal dominant inheritance. Observed: 1 variant allele, 1 heterozygote.
Comment: This study involves interpretation of variants in research participants for the purpose of population health screening. Participant phenotype was not available at the time of variant classification. Additional details can be found in publication PMID: 35346344, PMCID: PMC8962531

Color Diagnostics, LLC DBA Color Health
Classification: Likely benign for Familial thoracic aortic aneurysm and aortic dissection. Last evaluated: 2019-07-26. Review status: criteria provided, single submitter. Criteria: ACMG Guidelines, 2015. Collection method: clinical testing. Allele origin: germline.

NM_005902.4(SMAD3):c.81G>A (p.Glu27=)

Gene: SMAD3 (SMAD family member 3; plus strand). Cytogenetic location: 15q22.33.
Variant type: single nucleotide variant.
Coding change: c.81G>A on transcript NM_005902.4 (MANE Select); coding-DNA position 81, G replaced by A.
Protein change: p.Glu27=; no amino-acid change (glutamic acid 27 retained).
Molecular consequence: synonymous variant.
Genome position (GRCh38, 1-based): chr15:67,066,235, G>A. VCF-style: chr15-67066235-G-A. GRCh37 (hg19) VCF-style: chr15-67358573-G-A.
Identifiers: ClinVar variation 928248 (VCV000928248.7), dbSNP rs755882401, ClinGen allele CA062706.
Genomic context (GRCh38, chr15:67,066,235, plus strand): 5'-CACTCCCCCGATCGTGAAGCGCCTGCTGGGCTGGAAGAAGGGCGAGCAGAACGGGCAGGA[G>A]GAGAAATGGTGCGAGAAGGCGGTCAAGAGCCTGGTCAAGAAACTCAAGAAGACGGGGCAG-3'
Protein context (NP_005893.1, residues 17-37): GWKKGEQNGQ[Glu27=]EKWCEKAVKS